The following is an entry in ClinVar:

NM_000260.4(MYO7A):c.5146G>T (p.Glu1716Ter)

Gene: MYO7A (myosin VIIA; plus strand). Cytogenetic location: 11q13.5.
Variant type: single nucleotide variant.
Coding change: c.5146G>T on transcript NM_000260.4 (MANE Select); coding-DNA position 5146, G replaced by T.
Protein change: p.Glu1716Ter; replaces glutamic acid 1716 with a stop codon.
Molecular consequence: nonsense.
Genome position (GRCh38, 1-based): chr11:77,202,402, G>T. VCF-style: chr11-77202402-G-T. GRCh37 (hg19) VCF-style: chr11-76913447-G-T.
Other names: c.5032G>T, p.Glu1678Ter (NM_001127180.2); c.4999G>T, p.Glu1667Ter (NM_001369365.1); short protein forms E1716*, E1667*, E1678*.
Identifiers: ClinVar variation 954821 (VCV000954821.13), dbSNP rs1236207116, ClinGen allele CA381951822.
Genomic context (GRCh38, chr11:77,202,402, plus strand): 5'-CGGCTCTTGCAGCTGCGAACGGCGGAGCCCGAGGTGCGTGCCAAGCCCTACACGCTGGAG[G>T]AGTTTTCCTATGACTACTTCAGGTGATGCCTCCTGGGGAAGGATGGGAGCCACAGGGCTA-3'

ClinVar aggregate classification (germline): Pathogenic/Likely pathogenic. Review status: criteria provided, multiple submitters, no conflicts (2 of 4 stars). 5 submissions from 5 submitters: Pathogenic (4); Likely pathogenic (1). Last evaluated 2025-12-18.

Conditions:
MYO7A-related disorder. Also called: MYO7A-related disorders.
Usher syndrome. Also called: Usher Syndromes; Usher's syndrome. Identifiers: Orphanet 886, MedGen CN469326, MeSH D052245, MONDO:0019501. Disease mechanism: loss of function.
Usher syndrome type 1 (USH1). Also called: RETINITIS PIGMENTOSA AND CONGENITAL DEAFNESS. Identifiers: Orphanet 231169, Orphanet 886, MedGen C1568247, MONDO:0010168, OMIM 276900.
Usher syndrome type 1B (USH1B). Also called: Usher syndrome type IB. Identifiers: MedGen C1848638, MONDO:0700087.

Allele frequency attached by ClinVar (database versions not stated): gnomAD exomes 0.00001.
gnomAD v4.1: 3 of 1,553,352 alleles (0.00019%); highest among the groups gnomAD compares: Non-Finnish European, 0.00026%; no homozygotes.

Submissions (5):

Natera, Inc.
Classification: Pathogenic for Usher syndrome type 1B. Last evaluated: 2025-12-18. Review status: criteria provided, single submitter. Criteria: Natera Variant Classification Schema (03/2026). Collection method: clinical testing. Allele origin: germline.
Comment: The c.5146G>T variant in MYO7A is a nonsense variant predicted to introduce a stop codon at amino acid 1716. This variant is expected to result in nonsense mediated decay, truncation, or a dysfunctional protein product. This variant is rare in the general population with a frequency below the threshold expected for the associated phenotype(s). This variant has been observed in one or more individuals affected with the associated recessive disease, as either homozygous or compound heterozygous with a second variant (PMID: 27460420). Given the available evidence, this variant is classified as Pathogenic.

Institute of Medical Genetics and Applied Genomics, University Hospital Tübingen
Classification: Pathogenic for Usher syndrome type 1. Last evaluated: 2025-06-12. Review status: criteria provided, single submitter. Criteria: ACMG Guidelines, 2015. Collection method: clinical testing. Allele origin: germline. Inheritance: Autosomal recessive inheritance. Affected: yes.

Women's Health and Genetics/Laboratory Corporation of America, LabCorp
Classification: Pathogenic for Usher syndrome. Last evaluated: 2024-10-28. Review status: criteria provided, single submitter. Criteria: LabCorp Variant Classification Summary - May 2015. Collection method: clinical testing. Allele origin: germline.
Comment: Variant summary: MYO7A c.5146G>T (p.Glu1716X) results in a premature termination codon, predicted to cause absence of the protein due to nonsense mediated decay, which is a commonly known mechanism for disease. The variant allele was found at a frequency of 6.3e-06 in 158282 control chromosomes (gnomAD). c.5146G>T has been reported in the literature in an individual(s) affected with Usher Syndrome (e.g. Jacobson_2008). The following publication has been ascertained in the context of this evaluation (PMID: 18463160). ClinVar contains an entry for this variant (Variation ID: 954821). Based on the evidence outlined above, the variant was classified as pathogenic.

Labcorp Genetics (formerly Invitae), Labcorp
Classification: Pathogenic. Last evaluated: 2024-05-30. Review status: criteria provided, single submitter. Criteria: Invitae Variant Classification Sherloc (09022015). Collection method: clinical testing. Allele origin: germline.
Comment: This sequence change creates a premature translational stop signal (p.Glu1716*) in the MYO7A gene. It is expected to result in an absent or disrupted protein product. Loss-of-function variants in MYO7A are known to be pathogenic (PMID: 8900236, 25404053). The frequency data for this variant in the population databases is considered unreliable, as metrics indicate poor data quality at this position in the gnomAD database. This premature translational stop signal has been observed in individual(s) with clinical features of Usher syndrome (PMID: 18463160). ClinVar contains an entry for this variant (Variation ID: 954821). Algorithms developed to predict the effect of sequence changes on RNA splicing suggest that this variant may disrupt the consensus splice site. For these reasons, this variant has been classified as Pathogenic.

Blueprint Genetics
Classification: Likely pathogenic for MYO7A-related disorders. Last evaluated: 2022-03-21. Review status: criteria provided, single submitter. Criteria: ACMG Guidelines, 2015. Collection method: clinical testing. Allele origin: germline. Affected: yes. Observed: 2 variant alleles.

Literature cited by the submitters: PubMed 27460420 (cited by Natera, Inc.); PubMed 18463160 (cited by Women's Health and Genetics/Laboratory Corporation of America, LabCorp and Labcorp Genetics (formerly Invitae), Labcorp); PubMed 8900236 (cited by Labcorp Genetics (formerly Invitae), Labcorp); PubMed 25404053 (cited by Labcorp Genetics (formerly Invitae), Labcorp).